The following is an entry in ClinVar:

ClinVar aggregate classification (germline): Likely benign (1 of 4 stars; one submission).

Allele frequency attached by ClinVar (database versions not stated): gnomAD exomes below 0.00001.
gnomAD v4.1: 1 of 1,614,064 alleles (0.000062%); highest among the groups gnomAD compares: Non-Finnish European, 0.000085%; no homozygotes.

Submission:

CeGaT Center for Human Genetics Tuebingen
Classification: Likely benign. Last evaluated: 2022-08-01. Review status: criteria provided, single submitter. Criteria: CeGaT Center For Human Genetics Tuebingen Variant Classification Criteria Version 2. Collection method: clinical testing. Allele origin: germline. Affected: yes. Observed: 1 variant allele.
Comment: PSEN1: PM2:Supporting, BP4, BP7

NM_000021.4(PSEN1):c.42A>C (p.Ala14=)

Gene: PSEN1 (presenilin 1; plus strand). Cytogenetic location: 14q24.2.
Variant type: single nucleotide variant.
Coding change: c.42A>C on transcript NM_000021.4 (MANE Select); coding-DNA position 42, A replaced by C.
Protein change: p.Ala14=; no amino-acid change (alanine 14 retained).
Molecular consequence: synonymous variant.
Genome position (GRCh38, 1-based): chr14:73,148,061, A>C. VCF-style: chr14-73148061-A-C. GRCh37 (hg19) VCF-style: chr14-73614769-A-C.
Other names: c.42A>C, p.Ala14= (NM_007318.3).
Identifiers: ClinVar variation 2644356 (VCV002644356.24), dbSNP rs2502971373, ClinGen allele CA487094880.
Genomic context (GRCh38, chr14:73,148,061, plus strand): 5'-TTTCTATACAGTTGCTCCAATGACAGAGTTACCTGCACCGTTGTCCTACTTCCAGAATGC[A>C]CAGATGTCTGAGGACAACCACCTGAGCAATACTGTACGTAGCCAGGTACAGTGTCAGTCT-3'
Protein context (NP_000012.1, residues 4-24): LPAPLSYFQN[Ala14=]QMSEDNHLSN